The following is an entry in ClinVar:

ClinVar aggregate classification (germline): Pathogenic (1 of 4 stars; one submission).

Conditions:
Schimke immuno-osseous dysplasia (SIOD). Also called: Schimke Immunoosseous Dysplasia. Identifiers: Orphanet 1830, MedGen C0877024, MONDO:0009458, OMIM 242900.

Allele frequency attached by ClinVar (database versions not stated): TOPMed below 0.00001; gnomAD 0.00001.
gnomAD v4.1: 2 of 1,613,350 alleles (0.00012%); highest among the groups gnomAD compares: Non-Finnish European, 0.00017%; no homozygotes.

Submission:

Labcorp Genetics (formerly Invitae), Labcorp
Classification: Pathogenic for Schimke immuno-osseous dysplasia. Last evaluated: 2021-04-30. Review status: criteria provided, single submitter. Criteria: Invitae Variant Classification Sherloc (09022015). Collection method: clinical testing. Allele origin: germline.
Comment: This variant is not present in population databases (ExAC no frequency). For these reasons, this variant has been classified as Pathogenic. This variant has been observed in individual(s) with SMARCAL1-related conditions (PMID: 25349199). This sequence change creates a premature translational stop signal (p.Trp620*) in the SMARCAL1 gene. It is expected to result in an absent or disrupted protein product. Loss-of-function variants in SMARCAL1 are known to be pathogenic (PMID: 11799392, 20301550).

Literature cited by the submitters: PubMed 25349199; PubMed 11799392; PubMed 20301550.

NM_014140.4(SMARCAL1):c.1859G>A (p.Trp620Ter)

Gene: SMARCAL1 (SNF2 related chromatin remodeling annealing helicase 1; plus strand). Cytogenetic location: 2q35.
Variant type: single nucleotide variant.
Coding change: c.1859G>A on transcript NM_014140.4 (MANE Select); coding-DNA position 1859, G replaced by A.
Protein change: p.Trp620Ter; replaces tryptophan 620 with a stop codon.
Molecular consequence: nonsense.
Genome position (GRCh38, 1-based): chr2:216,450,853, G>A. VCF-style: chr2-216450853-G-A. GRCh37 (hg19) VCF-style: chr2-217315576-G-A.
Other names: c.1859G>A, p.Trp620Ter (NM_001127207.2); short protein forms W620*.
Identifiers: ClinVar variation 1453416 (VCV001453416.8), dbSNP rs1294139623, ClinGen allele CA350501910.